The following is an entry in ClinVar:

NM_006922.4(SCN3A):c.3646A>G (p.Ile1216Val)

Gene: SCN3A (sodium voltage-gated channel alpha subunit 3; minus strand). Cytogenetic location: 2q24.3.
Variant type: single nucleotide variant.
Coding change: c.3646A>G on transcript NM_006922.4 (MANE Select); coding-DNA position 3646, A replaced by G.
Protein change: p.Ile1216Val; replaces isoleucine 1216 with valine.
Molecular consequence: missense variant.
Genome position (GRCh38, 1-based): chr2:165,113,839, T>C on the plus strand (A>G on the coding strand, the complement: SCN3A is on the minus strand). VCF-style: chr2-165113839-T-C. GRCh37 (hg19) VCF-style: chr2-165970349-T-C.
Other names: c.3499A>G, p.Ile1167Val (NM_001081676.2, NM_001081677.2); short protein forms I1167V, I1216V.
Identifiers: ClinVar variation 2802929 (VCV002802929.3), dbSNP rs1169098298, ClinGen allele CA349033347.

ClinVar aggregate classification (germline): Uncertain significance (1 of 4 stars; one submission).

Allele frequency attached by ClinVar (database versions not stated): gnomAD exomes below 0.00001; TOPMed below 0.00001; gnomAD 0.00005.
gnomAD v4.1: 8 of 1,613,874 alleles (0.0005%); highest among the groups gnomAD compares: Admixed American, 0.013%; no homozygotes.

Submission:

Labcorp Genetics (formerly Invitae), Labcorp
Classification: Uncertain significance. Last evaluated: 2023-04-11. Review status: criteria provided, single submitter. Criteria: Invitae Variant Classification Sherloc (09022015). Collection method: clinical testing. Allele origin: germline.
Comment: This variant is present in population databases (no rsID available, gnomAD 0.006%). In summary, the available evidence is currently insufficient to determine the role of this variant in disease. Therefore, it has been classified as a Variant of Uncertain Significance. Advanced modeling of protein sequence and biophysical properties (such as structural, functional, and spatial information, amino acid conservation, physicochemical variation, residue mobility, and thermodynamic stability) performed at Invitae indicates that this missense variant is expected to disrupt SCN3A protein function. This variant has not been reported in the literature in individuals affected with SCN3A-related conditions. This sequence change replaces isoleucine, which is neutral and non-polar, with valine, which is neutral and non-polar, at codon 1216 of the SCN3A protein (p.Ile1216Val).